The following is an entry in ClinVar:

ClinVar aggregate classification (germline): Conflicting classifications of pathogenicity. Review status: criteria provided, conflicting classifications (1 of 4 stars). 4 submissions from 4 submitters: Uncertain significance (3); Likely benign (1). Last evaluated 2026-06-12.

Conditions:
Cardiovascular phenotype. Identifiers: MedGen CN230736.
Hereditary cancer-predisposing syndrome. Also called: Neoplastic Syndromes, Hereditary; Hereditary neoplastic syndrome; Hereditary Cancer Syndrome; Tumor predisposition. Identifiers: Orphanet 140162, MedGen C0027672, MeSH D009386, MONDO:0015356.
Neurofibromatosis, type 1 (NF1). Also called: VON RECKLINGHAUSEN DISEASE; Neurofibromatosis, type I; NEUROFIBROMATOSIS, TYPE I, SOMATIC; Peripheral type neurofibromatosis. Identifiers: Orphanet 636, MedGen C0027831, MONDO:0018975, OMIM 162200. Disease mechanism: loss of function.

Allele frequency attached by ClinVar (database versions not stated): gnomAD 0.00001; gnomAD exomes below 0.00001; TOPMed 0.00001.
gnomAD v4.1: 2 of 1,613,536 alleles (0.00012%); highest among the groups gnomAD compares: Admixed American, 0.0017%; no homozygotes.

Submissions (4):

Ambry Genetics
Classification: Likely benign for Cardiovascular phenotype; Hereditary cancer-predisposing syndrome. Last evaluated: 2026-06-12. Review status: criteria provided, single submitter. Criteria: Ambry Variant Classification Scheme 2023. Collection method: clinical testing. Allele origin: germline.

Labcorp Genetics (formerly Invitae), Labcorp
Classification: Uncertain significance for Neurofibromatosis, type 1. Last evaluated: 2026-01-07. Review status: criteria provided, single submitter. Criteria: Invitae Variant Classification Sherloc (09022015). Collection method: clinical testing. Allele origin: germline.
Comment: This sequence change replaces proline, which is neutral and non-polar, with leucine, which is neutral and non-polar, at codon 635 of the NF1 protein (p.Pro635Leu). This variant is not present in population databases (gnomAD no frequency). This variant has not been reported in the literature in individuals affected with NF1-related conditions. ClinVar contains an entry for this variant (Variation ID: 820279). Invitae Evidence Modeling of protein sequence and biophysical properties (such as structural, functional, and spatial information, amino acid conservation, physicochemical variation, residue mobility, and thermodynamic stability) indicates that this missense variant is not expected to disrupt NF1 protein function with a negative predictive value of 95%. In summary, the available evidence is currently insufficient to determine the role of this variant in disease. Therefore, it has been classified as a Variant of Uncertain Significance.

GeneDx
Classification: Uncertain significance. Last evaluated: 2025-06-06. Review status: criteria provided, single submitter. Criteria: GeneDx Variant Classification Process June 2021. Collection method: clinical testing. Allele origin: germline. Affected: yes.
Comment: Not observed at significant frequency in large population cohorts (gnomAD); In silico analysis suggests that this missense variant does not alter protein structure/function; Has not been previously published as pathogenic or benign to our knowledge; This variant is associated with the following publications: (PMID: 25486365)

Genome-Nilou Lab
Classification: Uncertain significance for Neurofibromatosis, type 1. Last evaluated: 2022-03-15. Review status: criteria provided, single submitter. Criteria: ACMG Guidelines, 2015. Collection method: clinical testing. Allele origin: germline. Affected: no.

NM_001042492.3(NF1):c.1904C>T (p.Pro635Leu)

Gene: NF1 (neurofibromin 1; plus strand). Cytogenetic location: 17q11.2.
Variant type: single nucleotide variant.
Coding change: c.1904C>T on transcript NM_001042492.3 (MANE Select); coding-DNA position 1904, C replaced by T.
Protein change: p.Pro635Leu; replaces proline 635 with leucine.
Molecular consequence: missense variant.
Genome position (GRCh38, 1-based): chr17:31,225,153, C>T. VCF-style: chr17-31225153-C-T. GRCh37 (hg19) VCF-style: chr17-29552171-C-T.
Other names: c.1904C>T, p.Pro635Leu (NM_000267.4); short protein forms P635L.
Identifiers: ClinVar variation 820279 (VCV000820279.13), dbSNP rs1597710514, ClinGen allele CA399005247.